The following is an entry in ClinVar:

NM_001385408.1(NBPF15):c.648C>T (p.Gly216=)

Gene: NBPF15 (NBPF member 15; minus strand). Cytogenetic location: 1q21.1.
Variant type: single nucleotide variant.
Coding change: c.648C>T on transcript NM_001385408.1 (MANE Select); coding-DNA position 648, C replaced by T.
Protein change: p.Gly216=; no amino-acid change (glycine 216 retained).
Molecular consequence: synonymous variant.
Genome position (GRCh38, 1-based): chr1:144,435,235, G>A on the plus strand (C>T on the coding strand, the complement: NBPF15 is on the minus strand). VCF-style: chr1-144435235-G-A. GRCh37 (hg19) VCF-style: chr1-148582414-C-T.
Other names: c.648C>T, p.Gly216= (NM_001170755.3, NM_001385373.1, NM_001385374.1 and 50 more transcripts).
Identifiers: ClinVar variation 4281092 (VCV004281092.7).
Genomic context (GRCh38, chr1:144,435,235, plus strand): 5'-GACTTTGTCTTCCTCAAATGTGATTTTGGTTTTCTTATGTGGCTGGTTGGAGTCATAAGG[G>A]CCATGGCTATTTGAACAAGTGATGGCACATTCCTCCAGTGAGTCCTCAGGGACTTCCTTT-3'
Protein context (NP_001372337.1, residues 206-226): ECAITCSNSH[Gly216=]PYDSNQPHKK

ClinVar aggregate classification (germline): Likely benign (1 of 4 stars; one submission).

Submission:

CeGaT Center for Human Genetics Tuebingen
Classification: Likely benign. Last evaluated: 2025-09-01. Review status: criteria provided, single submitter. Criteria: CeGaT Center For Human Genetics Tuebingen Variant Classification Criteria Version 2. Collection method: clinical testing. Allele origin: germline. Affected: yes. Observed: 1 variant allele.
Comment: NBPF15: BP4, BP7